The following is an entry in ClinVar:

ClinVar aggregate classification (germline): Likely benign (1 of 4 stars; one submission).

Allele frequency attached by ClinVar (database versions not stated): TOPMed 0.00002; gnomAD 0.00001.
gnomAD v4.1: 1 of 1,612,172 alleles (0.000062%); highest among the groups gnomAD compares: Non-Finnish European, 0.000085%; no homozygotes.

Submission:

GeneDx
Classification: Likely benign. Last evaluated: 2016-05-17. Review status: criteria provided, single submitter. Criteria: GeneDx Variant Classification (06012015). Collection method: clinical testing. Allele origin: germline. Affected: yes.
Comment: This variant is considered likely benign or benign based on one or more of the following criteria: it is a conservative change, it occurs at a poorly conserved position in the protein, it is predicted to be benign by multiple in silico algorithms, and/or has population frequency not consistent with disease.

NM_005002.5(NDUFA9):c.483T>A (p.Val161=)

Gene: NDUFA9 (NADH:ubiquinone oxidoreductase subunit A9; plus strand). Cytogenetic location: 12p13.32.
Variant type: single nucleotide variant.
Coding change: c.483T>A on transcript NM_005002.5 (MANE Select); coding-DNA position 483, T replaced by A.
Protein change: p.Val161=; no amino-acid change (valine 161 retained).
Molecular consequence: synonymous variant.
Genome position (GRCh38, 1-based): chr12:4,659,108, T>A. VCF-style: chr12-4659108-T-A. GRCh37 (hg19) VCF-style: chr12-4768274-T-A.
Identifiers: ClinVar variation 386082 (VCV000386082.1), dbSNP rs902398679, ClinGen allele CA16606281.